The following is an entry in ClinVar:

NM_004655.4(AXIN2):c.143C>G (p.Pro48Arg)

Gene: AXIN2 (axin 2; minus strand). Cytogenetic location: 17q24.1.
Variant type: single nucleotide variant.
Coding change: c.143C>G on transcript NM_004655.4 (MANE Select); coding-DNA position 143, C replaced by G.
Protein change: p.Pro48Arg; replaces proline 48 with arginine.
Molecular consequence: missense variant.
Genome position (GRCh38, 1-based): chr17:65,558,478, G>C on the plus strand (C>G on the coding strand, the complement: AXIN2 is on the minus strand). VCF-style: chr17-65558478-G-C. GRCh37 (hg19) VCF-style: chr17-63554596-G-C.
Other names: c.143C>G, p.Pro48Arg (NM_001363813.1); short protein forms P48R.
Identifiers: ClinVar variation 819218 (VCV000819218.15), dbSNP rs1555583718, ClinGen allele CA400682046.
Genomic context (GRCh38, chr17:65,558,478, plus strand): 5'-CGCCCCTCCGGCTCCCCCAACCCATCTTCGTTCCGCCTGGTGTTGGAAGAGACAGGCATG[G>C]GTTTGGTGACCTGGCCCTTGCCCACCCCTGGCTGACACGGTGGGGTCTCCCCTTCTTCCC-3'
Protein context (NP_004646.3, residues 38-58): PGVGKGQVTK[Pro48Arg]MPVSSNTRRN

ClinVar aggregate classification (germline): Uncertain significance. Review status: criteria provided, multiple submitters, no conflicts (2 of 4 stars). 3 submissions from 3 submitters: Uncertain significance (3). Last evaluated 2025-08-20.

Conditions:
Hereditary cancer-predisposing syndrome. Also called: Tumor predisposition; Hereditary neoplastic syndrome; Neoplastic Syndromes, Hereditary; Hereditary Cancer Syndrome. Identifiers: Orphanet 140162, MedGen C0027672, MeSH D009386, MONDO:0015356.
Oligodontia-cancer predisposition syndrome. Also called: TOOTH AGENESIS-COLORECTAL CANCER SYNDROME. Identifiers: Orphanet 300576, MedGen C1837750, MONDO:0012075, OMIM 608615. Disease mechanism: loss of function.

Submissions (3):

Ambry Genetics
Classification: Uncertain significance for Hereditary cancer-predisposing syndrome. Last evaluated: 2025-08-20. Review status: criteria provided, single submitter. Criteria: Ambry Variant Classification Scheme 2023. Collection method: clinical testing. Allele origin: germline.
Comment: The p.P48R variant (also known as c.143C>G), located in coding exon 1 of the AXIN2 gene, results from a C to G substitution at nucleotide position 143. The proline at codon 48 is replaced by arginine, an amino acid with dissimilar properties. This amino acid position is not well conserved in available vertebrate species. In addition, this alteration is predicted to be tolerated by in silico analysis. Since supporting evidence is limited at this time, the clinical significance of this alteration remains unclear.

Labcorp Genetics (formerly Invitae), Labcorp
Classification: Uncertain significance for Oligodontia-cancer predisposition syndrome. Last evaluated: 2025-06-30. Review status: criteria provided, single submitter. Criteria: Invitae Variant Classification Sherloc (09022015). Collection method: clinical testing. Allele origin: germline.
Comment: This sequence change replaces proline, which is neutral and non-polar, with arginine, which is basic and polar, at codon 48 of the AXIN2 protein (p.Pro48Arg). This variant is not present in population databases (gnomAD no frequency). This variant has not been reported in the literature in individuals affected with AXIN2-related conditions. ClinVar contains an entry for this variant (Variation ID: 819218). Invitae Evidence Modeling of protein sequence and biophysical properties (such as structural, functional, and spatial information, amino acid conservation, physicochemical variation, residue mobility, and thermodynamic stability) indicates that this missense variant is not expected to disrupt AXIN2 protein function with a negative predictive value of 80%. In summary, the available evidence is currently insufficient to determine the role of this variant in disease. Therefore, it has been classified as a Variant of Uncertain Significance.

Quest Diagnostics Nichols Institute San Juan Capistrano
Classification: Uncertain significance. Last evaluated: 2023-09-06. Review status: criteria provided, single submitter. Criteria: Quest Diagnostics criteria. Collection method: clinical testing. Allele origin: unknown.
Comment: The variant has not been reported in individuals with AXIN2-related conditions in the published literature. It also has not been reported in large, multi-ethnic general populations (Genome Aggregation Database). Analysis of this variant using bioinformatics tools for the prediction of the effect of amino acid changes on protein structure and function yielded predictions that this variant is benign. Based on the available information, we are unable to determine the clinical significance of this variant.